The following is an entry in ClinVar:

NM_007294.4(BRCA1):c.4357+1212T>C

Gene: BRCA1 (BRCA1 DNA repair associated; minus strand). Cytogenetic location: 17q21.31.
Variant type: single nucleotide variant.
Coding change: c.4357+1212T>C on transcript NM_007294.4 (MANE Select); 1212 bases into the intron after coding-DNA position 4357, T replaced by C.
Molecular consequence: intron variant.
Genome position (GRCh38, 1-based): chr17:43,081,192, A>G on the plus strand (T>C on the coding strand, the complement: BRCA1 is on the minus strand). VCF-style: chr17-43081192-A-G. GRCh37 (hg19) VCF-style: chr17-41233209-A-G.
Other names: IVS 13+1212T>C; c.4357+1212T>C (NM_001407617.1, NM_001407652.1, NM_001407854.1 and 23 more transcripts); c.835+1212T>C (NM_001408492.1, NM_001408513.1, NM_001408493.1 and 3 more transcripts); c.904+1212T>C (NM_001408468.1, NM_001408466.1, NM_001408465.1 and 5 more transcripts); c.4213+1212T>C (NM_001407842.1, NM_001407749.1, NM_001407846.1 and 23 more transcripts); c.784+1212T>C (NM_001408501.1, NM_001408500.1, NM_001408497.1 and 3 more transcripts); c.907+1212T>C (NM_001408455.1, NM_001408452.1, NM_001408457.1 and 8 more transcripts); c.4216+1212T>C (NM_001407731.1, NM_001407695.1, NM_001407726.1 and 23 more transcripts); and 52 more.
Identifiers: ClinVar variation 209408 (VCV000209408.3), dbSNP rs8176187, ClinGen allele CA276380.

ClinVar aggregate classification (germline): Benign. Review status: reviewed by expert panel (3 of 4 stars). 2 submissions from 2 submitters: Benign (1). 1 of the submissions does not count toward it. Last evaluated 2015-01-12.

Conditions:
Breast-ovarian cancer, familial, susceptibility to, 1 (BROVCA1). Also called: BRCA1 Hereditary Breast and Ovarian Cancer; OVARIAN CANCER, SUSCEPTIBILITY TO. Identifiers: Orphanet 145, MedGen C2676676, MONDO:0011450, OMIM 604370. Disease mechanism: loss of function.

Allele frequency attached by ClinVar (database versions not stated): gnomAD 0.00431 and 0.00448; TOPMed 0.00530; 1000 Genomes Project 0.00599; 1000 Genomes Project 30x 0.00718.
gnomAD v4.1: 657 of 152,358 alleles (0.43%); highest among the groups gnomAD compares: African/African-American, 1%; 3 homozygotes.

Submissions (2):

Evidence-based Network for the Interpretation of Germline Mutant Alleles (ENIGMA)
Classification: Benign for Breast-ovarian cancer, familial 1. Last evaluated: 2015-01-12. Review status: reviewed by expert panel. Criteria: ENIGMA BRCA1/2 Classification Criteria (2015). Collection method: curation. Allele origin: germline.
Comment: Class 1 not pathogenic based on frequency >1% in an outbred sampleset. Frequency 0.02033 (African), derived from 1000 genomes (2012-04-30).

Breakthrough Genomics
Classification: Benign. Review status: criteria provided, single submitter. Criteria: ACMG Guidelines, 2015. Collection method: not provided. Allele origin: germline. Inheritance: Autosomal recessive inheritance. Affected: yes. Not counted in ClinVar's aggregate classification.